The following is an entry in ClinVar:

NM_000493.4(COL10A1):c.593G>A (p.Arg198His)

Genes: COL10A1 (collagen type X alpha 1 chain; minus strand), NT5DC1 (5'-nucleotidase domain containing 1; plus strand). Cytogenetic location: 6q22.1.
Variant type: single nucleotide variant.
Coding change: c.593G>A on transcript NM_000493.4 (MANE Select); coding-DNA position 593, G replaced by A.
Protein change: p.Arg198His; replaces arginine 198 with histidine.
Molecular consequence: missense variant. On other transcripts: intron variant (1).
Genome position (GRCh38, 1-based): chr6:116,121,523, C>T on the plus strand (G>A on the coding strand, the complement: COL10A1 is on the minus strand). VCF-style: chr6-116121523-C-T. GRCh37 (hg19) VCF-style: chr6-116442686-C-T.
Other names: c.593G>A, p.Arg198His (NM_001424106.1, NM_001424107.1); c.529+3578C>T (NM_152729.3); short protein forms R198H.
Identifiers: ClinVar variation 355103 (VCV000355103.48), dbSNP rs148785195, ClinGen allele CA3968368.
Genomic context (GRCh38, chr6:116,121,523, plus strand): 5'-CCAGGAGGGCCAGATGGTCCTGTGGGACCCTGAGGGCCTGGAAGACCCCTCTCACCTGGA[C>T]GACCAGGAGCACCATATCCCATTTCCCCTTTCTGTCCATTCATACCAGGGACTCCTGGTG-3'
Protein context (NP_000484.2, residues 188-208): KGEMGYGAPG[Arg198His]PGERGLPGPQ

ClinVar aggregate classification (germline): Benign/Likely benign. Review status: criteria provided, multiple submitters, no conflicts (2 of 4 stars). 10 submissions from 10 submitters: Benign (2); Likely benign (6). 2 of the submissions do not count toward it. Last evaluated 2026-09-01.

Conditions:
Metaphyseal chondrodysplasia, Schmid type (MCDS). Also called: SPONDYLOMETAPHYSEAL DYSPLASIA, JAPANESE TYPE. Identifiers: Orphanet 174, MedGen C0265289, MONDO:0007983, OMIM 156500.

Allele frequency attached by ClinVar (database versions not stated): TOPMed 0.00189; gnomAD 0.00200 and 0.00214; 1000 Genomes Project 30x 0.00250; ESP Exome Variant Server 0.00261; 1000 Genomes Project 0.00300.
gnomAD v4.1: 5,062 of 1,614,136 alleles (0.31%); highest among the groups gnomAD compares: South Asian, 0.57%; 14 homozygotes.

Submissions (10):

CeGaT Center for Human Genetics Tuebingen
Classification: Likely benign. Last evaluated: 2026-09-01. Review status: criteria provided, single submitter. Criteria: CeGaT Center For Human Genetics Tuebingen Variant Classification Criteria Version 2. Collection method: clinical testing. Allele origin: germline. Affected: yes. Observed: 4 variant alleles.
Comment: COL10A1: BP4, BS2

Women's Health and Genetics/Laboratory Corporation of America, LabCorp
Classification: Likely benign. Last evaluated: 2026-05-21. Review status: criteria provided, single submitter. Criteria: LabCorp Variant Classification Summary - May 2015. Collection method: clinical testing. Allele origin: germline.
Comment: Variant summary: COL10A1 c.593G>A (p.Arg198His) results in a non-conservative amino acid change in the encoded protein sequence. Algorithms developed to predict the effect of missense changes on protein structure and function are either unavailable or do not agree on the potential impact of this missense change. The variant allele was found at a frequency of 0.0026 in 251370 control chromosomes, predominantly at a frequency of 0.0059 within the South Asian subpopulation in the gnomAD database, including 1 homozygotes. The observed variant frequency within South Asian control individuals in the gnomAD database exceeds the estimated maximal expected allele frequency for disease-causing variants in COL10A1. To our knowledge, no occurrence of c.593G>A in individuals affected with COL10A1-related conditions and no experimental evidence demonstrating its impact on protein function have been reported. ClinVar contains an entry for this variant (Variation ID: 355103). Based on the evidence outlined above, the variant was classified as likely benign.

Labcorp Genetics (formerly Invitae), Labcorp
Classification: Benign. Last evaluated: 2026-01-11. Review status: criteria provided, single submitter. Criteria: Invitae Variant Classification Sherloc (09022015). Collection method: clinical testing. Allele origin: germline.

ARUP Laboratories, Molecular Genetics and Genomics, ARUP Laboratories
Classification: Likely benign for Metaphyseal chondrodysplasia, Schmid type. Last evaluated: 2025-07-22. Review status: criteria provided, single submitter. Criteria: ARUP Molecular Germline Variant Investigation Process 2024. Collection method: clinical testing. Allele origin: germline.

Blueprint Genetics
Classification: Likely benign. Last evaluated: 2024-11-26. Review status: criteria provided, single submitter. Criteria: ACMG Guidelines, 2015. Collection method: clinical testing. Allele origin: germline.

GeneDx
Classification: Likely benign. Last evaluated: 2020-12-07. Review status: criteria provided, single submitter. Criteria: GeneDx Variant Classification Process June 2021. Collection method: clinical testing. Allele origin: germline. Affected: yes.
Comment: This variant is associated with the following publications: (PMID: 1329505, 15880705)

Illumina Laboratory Services, Illumina
Classification: Benign for Metaphyseal chondrodysplasia, Schmid type. Last evaluated: 2018-01-13. Review status: criteria provided, single submitter. Criteria: ICSL Variant Classification Criteria 13 December 2019. Collection method: clinical testing. Allele origin: germline.
Comment: This variant was observed in the ICSL laboratory as part of a predisposition screen in an ostensibly healthy population. It had not been previously curated by ICSL or reported in the Human Gene Mutation Database (HGMD: prior to June 1st, 2018), and was therefore a candidate for classification through an automated scoring system. Utilizing variant allele frequency, disease prevalence and penetrance estimates, and inheritance mode, an automated score was calculated to assess if this variant is too frequent to cause the disease. Based on the score and internal cut-off values, a variant classified as benign is not then subjected to further curation. The score for this variant resulted in a classification of benign for this disease.

Center for Pediatric Genomic Medicine, Children's Mercy Hospital and Clinics
Classification: Likely benign. Last evaluated: 2017-01-27. Review status: criteria provided, single submitter. Criteria: ACMG Guidelines, 2015. Collection method: clinical testing. Allele origin: germline.
ClinVar note: Converted during submission from Likely Benign to Likely benign.

Clinical Genetics DNA and cytogenetics Diagnostics Lab, Erasmus MC, Erasmus Medical Center
Classification: Likely benign. Review status: no assertion criteria provided. Collection method: clinical testing. Allele origin: germline. Affected: yes. Study: VKGL Data-share Consensus. Not counted in ClinVar's aggregate classification.

Laboratory of Diagnostic Genome Analysis, Leiden University Medical Center (LUMC)
Classification: Likely benign. Review status: no assertion criteria provided. Collection method: clinical testing. Allele origin: germline. Affected: yes. Study: VKGL Data-share Consensus. Not counted in ClinVar's aggregate classification.